The following is an entry in ClinVar:

NM_000262.3(NAGA):c.838C>T (p.Leu280Phe)

Gene: NAGA (alpha-N-acetylgalactosaminidase; minus strand). Cytogenetic location: 22q13.2.
Variant type: single nucleotide variant.
Coding change: c.838C>T on transcript NM_000262.3 (MANE Select); coding-DNA position 838, C replaced by T.
Protein change: p.Leu280Phe; replaces leucine 280 with phenylalanine.
Molecular consequence: missense variant.
Genome position (GRCh38, 1-based): chr22:42,062,946, G>A on the plus strand (C>T on the coding strand, the complement: NAGA is on the minus strand). VCF-style: chr22-42062946-G-A. GRCh37 (hg19) VCF-style: chr22-42458950-G-A.
Other names: c.838C>T, p.Leu280Phe (NM_001362848.1, NM_001362850.1); short protein forms L280F.
Identifiers: ClinVar variation 3384070 (VCV003384070.1).
Genomic context (GRCh38, chr22:42,062,946, plus strand): 5'-GATTCTGCAGAATGTCCATGTTCTGGGCGGAGATGGTACGCAGGTCTGTGGACATCAAGA[G>A]GGGGGCTGCCAGCACCGTCCACAGGGCCATCTGGGCCCGGGATTGCTCTAAGCTGAGACC-3'
Protein context (NP_000253.1, residues 270-290): MALWTVLAAP[Leu280Phe]LMSTDLRTIS

ClinVar aggregate classification (germline): Likely pathogenic (1 of 4 stars; one submission).

Conditions:
Alpha-N-acetylgalactosaminidase deficiency type 1. Also called: SCHINDLER DISEASE, TYPE I; ALPHA-N-ACETYLGALACTOSAMINIDASE DEFICIENCY, TYPE I; NAGA DEFICIENCY, TYPE I; NEUROAXONAL DYSTROPHY, SCHINDLER TYPE. Identifiers: Orphanet 3137, Orphanet 79279, Orphanet 79281, MedGen C1836544, MONDO:0012221, OMIM 609241.

Submission:

Dubai Health Genomic Medicine Center, Dubai Health
Classification: Likely pathogenic for Schindler disease. Last evaluated: 2024-10-04. Review status: criteria provided, single submitter. Criteria: ACMG Guidelines, 2015. Collection method: research. Allele origin: germline. Affected: yes.
Comment: PS3(moderate),PP1,PM2,PP3